The following is an entry in ClinVar:

NC_000023.11:g.101397753A>C

Genes: GLA (galactosidase alpha; minus strand), RPL36A-HNRNPH2 (RPL36A-HNRNPH2 readthrough; plus strand). Cytogenetic location: Xq22.1.
Variant type: single nucleotide variant.
Molecular consequence: intron variant (on NM_001199973.2).
Genome position: GRCh38 VCF-style: chrX-101397753-A-C. GRCh37 (hg19) VCF-style: chrX-100652741-A-C.
Other names: c.300+2296A>C (NM_001199973.2); c.177+5931A>C (NM_001199974.2).
Identifiers: ClinVar variation 3048387 (VCV003048387.2), dbSNP rs186392986, ClinGen allele CA333092933.

ClinVar aggregate classification (germline): Likely benign (0 of 4 stars; one submission).

Conditions:
GLA-related disorder. Also called: GLA-related condition.

Allele frequency attached by ClinVar (database versions not stated): 1000 Genomes Project 30x 0.00021; gnomAD 0.00022; TOPMed 0.00024; gnomAD exomes 0.00061.

Submission:

PreventionGenetics, part of Exact Sciences
Classification: Likely benign for GLA-related condition. Last evaluated: 2023-01-27. Review status: no assertion criteria provided. Collection method: clinical testing. Allele origin: germline.
Comment: This variant is classified as likely benign based on ACMG/AMP sequence variant interpretation guidelines (Richards et al. 2015 PMID: 25741868, with internal and published modifications).